The following is an entry in ClinVar:

ClinVar aggregate classification (germline): Uncertain significance. Review status: criteria provided, multiple submitters, no conflicts (2 of 4 stars). 2 submissions from 2 submitters: Uncertain significance (2). Last evaluated 2022-05-25.

Conditions:
Cardiovascular phenotype. Identifiers: MedGen CN230736.

Allele frequency attached by ClinVar (database versions not stated): gnomAD 0.00001; ExAC 0.00002; TOPMed 0.00002.
gnomAD v4.1: 24 of 1,510,028 alleles (0.0016%); highest among the groups gnomAD compares: Admixed American, 0.0087%; no homozygotes.

Submissions (2):

Ambry Genetics
Classification: Uncertain significance for Cardiovascular phenotype. Last evaluated: 2022-05-25. Review status: criteria provided, single submitter. Criteria: Ambry Variant Classification Scheme 2023. Collection method: clinical testing. Allele origin: germline.
Comment: The c.1755G>A variant (also known as p.S585S), located in coding exon 11 of the SCN10A gene, results from a G to A substitution at nucleotide position 1755. This nucleotide substitution does not change the serine at codon 585. However, this change occurs in the last base pair of coding exon 11, which makes it likely to have some effect on normal mRNA splicing. This nucleotide position is highly conserved in available vertebrate species. In silico splice site analysis predicts that this alteration will weaken the native splice donor site. The evidence for this gene-disease relationship is limited; therefore, the clinical significance of this alteration is unclear.

Blueprint Genetics
Classification: Uncertain significance. Last evaluated: 2020-05-15. Review status: criteria provided, single submitter. Criteria: ACMG Guidelines, 2015. Collection method: clinical testing. Allele origin: germline.

NM_006514.4(SCN10A):c.1755G>A (p.Ser585=)

Gene: SCN10A (sodium voltage-gated channel alpha subunit 10; minus strand). Cytogenetic location: 3p22.2.
Variant type: single nucleotide variant.
Coding change: c.1755G>A on transcript NM_006514.4 (MANE Select); coding-DNA position 1755, G replaced by A.
Protein change: p.Ser585=; no amino-acid change (serine 585 retained).
Molecular consequence: synonymous variant. On other transcripts: intron variant (1).
Genome position (GRCh38, 1-based): chr3:38,752,219, C>T on the plus strand (G>A on the coding strand, the complement: SCN10A is on the minus strand). VCF-style: chr3-38752219-C-T. GRCh37 (hg19) VCF-style: chr3-38793710-C-T.
Other names: c.1755G>A, p.Ser585= (NM_001293306.2); c.1462-2035G>A (NM_001293307.2).
Identifiers: ClinVar variation 1779464 (VCV001779464.3), dbSNP rs755474416, ClinGen allele CA2320771.